The following is an entry in ClinVar:

NM_001258392.3(CLPB):c.839A>C (p.Glu280Ala)

Gene: CLPB (ClpB family mitochondrial disaggregase; minus strand). Cytogenetic location: 11q13.4.
Variant type: single nucleotide variant.
Coding change: c.839A>C on transcript NM_001258392.3 (MANE Select); coding-DNA position 839, A replaced by C.
Protein change: p.Glu280Ala; replaces glutamic acid 280 with alanine.
Molecular consequence: missense variant.
Genome position (GRCh38, 1-based): chr11:72,329,741, T>G on the plus strand (A>C on the coding strand, the complement: CLPB is on the minus strand). VCF-style: chr11-72329741-T-G. GRCh37 (hg19) VCF-style: chr11-72040785-T-G.
Other names: c.752A>C, p.Glu251Ala (NM_001258393.3); c.794A>C, p.Glu265Ala (NM_001258394.3); c.929A>C, p.Glu310Ala (NM_030813.6); short protein forms E251A, E265A, E280A, E310A.
Identifiers: ClinVar variation 2003582 (VCV002003582.4), dbSNP rs763049720, ClinGen allele CA6171366.

ClinVar aggregate classification (germline): Uncertain significance (1 of 4 stars; one submission).

Conditions:
3-methylglutaconic aciduria, type VIIB (MGCA7B). Also called: CLPB Deficiency; 3-methylglutaconic aciduria with cataracts, neurologic involvement and neutropenia; 3-methylglutaconic aciduria, type VII, with cataracts, neurologic involvement and neutropenia. Identifiers: Orphanet 445038, MedGen C5676893, MONDO:0014561, OMIM 616271.

Allele frequency attached by ClinVar (database versions not stated): gnomAD 0.00001; gnomAD exomes 0.00001; TOPMed 0.00001; ExAC 0.00002.
gnomAD v4.1: 4 of 1,613,770 alleles (0.00025%); highest among the groups gnomAD compares: Non-Finnish European, 0.00034%; no homozygotes.

Submission:

Labcorp Genetics (formerly Invitae), Labcorp
Classification: Uncertain significance for 3-methylglutaconic aciduria, type VIIB. Last evaluated: 2022-06-08. Review status: criteria provided, single submitter. Criteria: Invitae Variant Classification Sherloc (09022015). Collection method: clinical testing. Allele origin: germline.
Comment: In summary, the available evidence is currently insufficient to determine the role of this variant in disease. Therefore, it has been classified as a Variant of Uncertain Significance. Algorithms developed to predict the effect of missense changes on protein structure and function are either unavailable or do not agree on the potential impact of this missense change (SIFT: "Deleterious"; PolyPhen-2: "Benign"; Align-GVGD: "Class C0"). This variant has not been reported in the literature in individuals affected with CLPB-related conditions. This variant is present in population databases (rs763049720, gnomAD 0.003%). This sequence change replaces glutamic acid, which is acidic and polar, with alanine, which is neutral and non-polar, at codon 310 of the CLPB protein (p.Glu310Ala).